The following is an entry in ClinVar:

ClinVar aggregate classification (germline): Pathogenic. Review status: criteria provided, multiple submitters, no conflicts (2 of 4 stars). 6 submissions from 6 submitters: Pathogenic (6). Last evaluated 2026-08-21.

Conditions:
APC-related disorder. Also called: APC-related condition.
Hereditary cancer-predisposing syndrome. Also called: Hereditary Cancer Syndrome; Tumor predisposition; Hereditary neoplastic syndrome; Neoplastic Syndromes, Hereditary. Identifiers: Orphanet 140162, MedGen C0027672, MeSH D009386, MONDO:0015356.
Familial multiple polyposis syndrome (FAP). Also called: Familial intestinal polyposis; Classic familial adenomatous polyposis; Familial adenomatous polyposis; Familial Adenomatous Polyposis (FAP); Familial polyposis. Identifiers: Orphanet 733, MedGen C0032580, MONDO:0021055. Disease mechanism: loss of function.
Familial adenomatous polyposis 1 (FAP1). Also called: FAMILIAL ADENOMATOUS POLYPOSIS 1, ATTENUATED; POLYPOSIS, ADENOMATOUS INTESTINAL. Identifiers: MedGen C2713442, MONDO:0021056, OMIM 175100. Disease mechanism: loss of function.

Allele frequency attached by ClinVar (database versions not stated): gnomAD exomes below 0.00001.

Submissions (6):

PreventionGenetics, part of Exact Sciences
Classification: Pathogenic for APC-related condition. Last evaluated: 2026-08-21. Review status: criteria provided, single submitter. Criteria: ACMG Guidelines, 2015. Collection method: clinical testing. Allele origin: germline.
Comment: The APC c.350C>A variant is predicted to result in premature protein termination (p.Ser117*). This variant has been reported in an individual with classic familial adenomatous polyposis (FAP) (Table 1. Findlen et al. 2021. PubMed ID: 33788735) and in an individual with attenuated FAP (Table 5. Kerr et al. 2012. PubMed ID: 23159591). This variant has not been reported in gnomAD, indicating this variant is rare. This variant is classified as pathogenic in ClinVar (Variation ID: 418932). Nonsense variants in APC are expected to be pathogenic. This variant is interpreted as pathogenic.

Labcorp Genetics (formerly Invitae), Labcorp
Classification: Pathogenic for Familial adenomatous polyposis 1. Last evaluated: 2025-12-16. Review status: criteria provided, single submitter. Criteria: Invitae Variant Classification Sherloc (09022015). Collection method: clinical testing. Allele origin: germline.
Comment: This sequence change creates a premature translational stop signal (p.Ser117*) in the APC gene. It is expected to result in an absent or disrupted protein product. Loss-of-function variants in APC are known to be pathogenic (PMID: 17963004, 20685668). This variant is not present in population databases (gnomAD no frequency). This premature translational stop signal has been observed in individual(s) with APC-related disease (PMID: 11960572, 23159591). ClinVar contains an entry for this variant (Variation ID: 418932). For these reasons, this variant has been classified as Pathogenic.

Ambry Genetics
Classification: Pathogenic for Hereditary cancer-predisposing syndrome. Last evaluated: 2024-09-05. Review status: criteria provided, single submitter. Criteria: Ambry Variant Classification Scheme 2023. Collection method: clinical testing. Allele origin: germline.
Comment: The p.S117* pathogenic mutation (also known as c.350C>A), located in coding exon 3 of the APC gene, results from a C to A substitution at nucleotide position 350. This changes the amino acid from a serine to a stop codon within coding exon 3. This mutation has been detected in multiple individuals with familial adenomatous polyposis (FAP) (Wu G et al. Genet. Test., 2001;5:281-90; Kerr SE et al. J Mol Diagn, 2013 Jan;15:31-43; Gutierrez Sanchez LH et al. Gastrointest Endosc, 2018 Mar;87:648-656.e3). In addition to the clinical data presented in the literature, this alteration is expected to result in loss of function by premature protein truncation or nonsense-mediated mRNA decay. As such, this alteration is interpreted as a disease-causing mutation.

Myriad Genetics, Inc.
Classification: Pathogenic for Familial adenomatous polyposis 1. Last evaluated: 2023-04-25. Review status: criteria provided, single submitter. Criteria: Myriad Autosomal Dominant, Autosomal Recessive and X-Linked Classification Criteria (2023). Collection method: clinical testing. Allele origin: unknown.
Comment: This variant is considered pathogenic. This variant creates a termination codon and is predicted to result in premature protein truncation.

Women's Health and Genetics/Laboratory Corporation of America, LabCorp
Classification: Pathogenic for Familial multiple polyposis syndrome. Last evaluated: 2022-01-10. Review status: criteria provided, single submitter. Criteria: LabCorp Variant Classification Summary - May 2015. Collection method: clinical testing. Allele origin: germline.
Comment: Variant summary: APC c.350C>A (p.Ser117X) results in a premature termination codon, predicted to cause a truncation of the encoded protein or absence of the protein due to nonsense mediated decay, which are commonly known mechanisms for disease. Truncations downstream of this position have been classified as pathogenic by our laboratory. The variant was absent in 251476 control chromosomes (gnomAD). c.350C>A has been reported in the literature in individuals affected with Familial Adenomatous Polyposis (examples: Wu_2001, Kerr_2013 and Findlen_2021). These data indicate that the variant is associated with disease. To our knowledge, no experimental evidence demonstrating an impact on protein function has been reported. Three clinical diagnostic laboratories have submitted clinical-significance assessments for this variant to ClinVar after 2014 and classified the variant as pathogenic. Based on the evidence outlined above, the variant was classified as pathogenic.

GeneDx
Classification: Pathogenic. Last evaluated: 2017-10-18. Review status: criteria provided, single submitter. Criteria: GeneDx Variant Classification (06012015). Collection method: clinical testing. Allele origin: germline. Affected: yes.
Comment: This pathogenic variant is denoted APC c.350C>A at the cDNA level and p.Ser117Ter (S117X) at the protein level. The substitution creates a nonsense variant, which changes a Serine to a premature stop codon (TCA>TAA), and is predicted to cause loss of normal protein function through either protein truncation or nonsense-mediated mRNA decay. This variant has been reported in association with attenuated Familial Adenomatous Polyposis (Kerr 2013) and is considered pathogenic.

Literature cited by the submitters: PubMed 17963004 (cited by Labcorp Genetics (formerly Invitae), Labcorp); PubMed 20685668 (cited by Labcorp Genetics (formerly Invitae), Labcorp); PubMed 11960572 (cited by 3 submitters); PubMed 23159591 (cited by 3 submitters); PubMed 25525159 (cited by Ambry Genetics); PubMed 29122597 (cited by Ambry Genetics); PubMed 33788735 (cited by Women's Health and Genetics/Laboratory Corporation of America, LabCorp).

NM_000038.6(APC):c.350C>A (p.Ser117Ter)

Gene: APC (APC regulator of Wnt signaling pathway; plus strand). Cytogenetic location: 5q22.2.
Variant type: single nucleotide variant.
Coding change: c.350C>A on transcript NM_000038.6 (MANE Select); coding-DNA position 350, C replaced by A.
Protein change: p.Ser117Ter; replaces serine 117 with a stop codon.
Molecular consequence: nonsense. On other transcripts: 5 prime UTR variant (1).
Genome position (GRCh38, 1-based): chr5:112,767,318, C>A. VCF-style: chr5-112767318-C-A. GRCh37 (hg19) VCF-style: chr5-112103015-C-A.
Other names: c.350C>A, p.Ser117Ter (NM_001127510.3, NM_001354895.2, NM_001354896.2 and 2 more transcripts); c.380C>A, p.Ser127Ter (NM_001127511.3, NM_001354897.2, NM_001354902.2); c.275C>A, p.Ser92Ter (NM_001354898.2, NM_001354904.2); c.173C>A, p.Ser58Ter (NM_001354900.2, NM_001354901.2, NM_001354905.2); c.-686C>A (NM_001354906.2); short protein forms S117*, S127*, S58*, S92*.
Identifiers: ClinVar variation 418932 (VCV000418932.23), dbSNP rs1064793535, ClinGen allele CA16022086.